The following is an entry in ClinVar:

NM_001393504.1(MAST3):c.479A>G (p.His160Arg)

Genes: MAST3 (microtubule associated serine/threonine kinase 3; plus strand), LOC126862876 (BRD4-independent group 4 enhancer GRCh37_chr19:18232970-18234169; plus strand). Cytogenetic location: 19p13.11.
Variant type: single nucleotide variant.
Coding change: c.479A>G on transcript NM_001393504.1 (MANE Select); coding-DNA position 479, A replaced by G.
Protein change: p.His160Arg; replaces histidine 160 with arginine.
Molecular consequence: missense variant.
Genome position (GRCh38, 1-based): chr19:18,123,296, A>G. VCF-style: chr19-18123296-A-G. GRCh37 (hg19) VCF-style: chr19-18234106-A-G.
Other names: c.389A>G, p.His130Arg (NM_001393520.1, NM_001393515.1); c.365A>G, p.His122Arg (NM_001393521.1); c.392A>G, p.His131Arg (NM_015016.2, NM_001393514.1); c.503A>G, p.His168Arg (NM_001393501.1); c.482A>G, p.His161Arg (NM_001393502.1); c.479A>G, p.His160Arg (NM_001393503.1); c.476A>G, p.His159Arg (NM_001393505.1); c.431A>G, p.His144Arg (NM_001393506.1, NM_001393513.1); and 4 more; short protein forms H122R, H130R, H131R, H136R, H137R, H138R, H144R, H153R.
Identifiers: ClinVar variation 1314601 (VCV001314601.3), dbSNP rs1220614580, ClinGen allele CA404803298.
Genomic context (GRCh38, chr19:18,123,296, plus strand): 5'-AACGTCTCCACCAGCTTCCCTTCCAGCCGACGCCGGACGAGCTGCACTTCCTGTCCAAGC[A>G]CTTCCGCAGCTCAGAGAATGTGCTTGATGAGGAAGGCGGCCGGTCACCCCGCCTCCGACC-3'
Protein context (NP_001380433.1, residues 150-170): TPDELHFLSK[His160Arg]FRSSENVLDE

ClinVar aggregate classification (germline): Uncertain significance. Review status: criteria provided, multiple submitters, no conflicts (2 of 4 stars). 2 submissions from 2 submitters: Uncertain significance (2). Last evaluated 2025-12-04.

Conditions:
Inborn genetic diseases. Identifiers: MedGen C0950123, MeSH D030342.

Allele frequency attached by ClinVar (database versions not stated): TOPMed 0.00002.

Submissions (2):

Ambry Genetics
Classification: Uncertain significance for Inborn genetic diseases. Last evaluated: 2025-12-04. Review status: criteria provided, single submitter. Criteria: Ambry Variant Classification Scheme 2023. Collection method: clinical testing. Allele origin: germline.

GeneDx
Classification: Uncertain significance. Last evaluated: 2021-04-16. Review status: criteria provided, single submitter. Criteria: GeneDx Variant Classification Process June 2021. Collection method: clinical testing. Allele origin: germline. Affected: yes.
Comment: Not observed in large population cohorts (Lek et al., 2016); In silico analysis supports that this missense variant has a deleterious effect on protein structure/function; Has not been previously published as pathogenic or benign to our knowledge; Variants in candidate genes are classified as variants of uncertain significance in accordance with ACMG guidelines (Richards et al., 2015)